The following is an entry in ClinVar:

ClinVar aggregate classification (germline): Uncertain significance. Review status: criteria provided, multiple submitters, no conflicts (2 of 4 stars). 3 submissions from 3 submitters: Uncertain significance (3). Last evaluated 2022-02-21.

Conditions:
Gilbert syndrome. Also called: Gilbert's syndrome; HYPERBILIRUBINEMIA, GILBERT TYPE; Gilbert Disease; HYPERBILIRUBINEMIA I; HYPERBILIRUBINEMIA, ARIAS TYPE. Identifiers: MedGen C0017551, MONDO:0007745, OMIM 143500.
BILIRUBIN, SERUM LEVEL OF, QUANTITATIVE TRAIT LOCUS 1 (BILIQTL1). Identifiers: MedGen C1866173, OMIM 601816.
Crigler-Najjar syndrome type 1. Also called: HYPERBILIRUBINEMIA, CRIGLER-NAJJAR TYPE I. Identifiers: Orphanet 79234, MedGen C0010324, MONDO:0021020, OMIM 218800.
Crigler-Najjar syndrome, type II. Also called: Crigler Najjar syndrome, type 2; Mutation in the UDP-glucuronosyl-transferase gene; HYPERBILIRUBINEMIA, CRIGLER-NAJJAR TYPE II. Identifiers: Orphanet 205, Orphanet 79235, MedGen C2931132, MONDO:0011725, OMIM 606785.
Lucey-Driscoll syndrome (HBLRTFN). Also called: Transient familial neonatal hyperbilirubinemia. Identifiers: Orphanet 2312, MedGen C0270210, MONDO:0009383, OMIM 237900.

Allele frequency attached by ClinVar (database versions not stated): ExAC 0.00002; gnomAD 0.00003; gnomAD exomes 0.00004; TOPMed 0.00008.
gnomAD v4.1: 57 of 1,613,974 alleles (0.0035%); highest among the groups gnomAD compares: Admixed American, 0.033%; no homozygotes.

Submissions (3):

Labcorp Genetics (formerly Invitae), Labcorp
Classification: Uncertain significance. Last evaluated: 2022-02-21. Review status: criteria provided, single submitter. Criteria: Invitae Variant Classification Sherloc (09022015). Collection method: clinical testing. Allele origin: germline.
Comment: This sequence change replaces arginine, which is basic and polar, with cysteine, which is neutral and slightly polar, at codon 403 of the UGT1A1 protein (p.Arg403Cys). This variant is present in population databases (rs778766461, gnomAD 0.02%). This missense change has been observed in individual(s) with Crigler-Najjar syndrome type 2 (PMID: 15712364, 18058623). ClinVar contains an entry for this variant (Variation ID: 498359). Algorithms developed to predict the effect of missense changes on protein structure and function are either unavailable or do not agree on the potential impact of this missense change (SIFT: "Not Available"; PolyPhen-2: "Probably Damaging"; Align-GVGD: "Not Available"). In summary, the available evidence is currently insufficient to determine the role of this variant in disease. Therefore, it has been classified as a Variant of Uncertain Significance.

Fulgent Genetics
Classification: Uncertain significance for Gilbert syndrome; Crigler-Najjar syndrome type 1; Lucey-Driscoll syndrome; BILIRUBIN, SERUM LEVEL OF, QUANTITATIVE TRAIT LOCUS 1; Crigler-Najjar syndrome, type II. Last evaluated: 2018-10-31. Review status: criteria provided, single submitter. Criteria: ACMG Guidelines, 2015. Collection method: clinical testing. Allele origin: unknown.

Eurofins Ntd Llc (ga)
Classification: Uncertain significance. Last evaluated: 2017-05-18. Review status: criteria provided, single submitter. Criteria: EGL Classification Definitions 2015. Collection method: clinical testing. Allele origin: germline. Observed: 2 variant alleles, 2 heterozygotes.

Literature cited by the submitters: PubMed 15712364 (cited by Labcorp Genetics (formerly Invitae), Labcorp and Eurofins Ntd Llc (ga)); PubMed 18058623 (cited by Labcorp Genetics (formerly Invitae), Labcorp).

NM_000463.3(UGT1A1):c.1207C>T (p.Arg403Cys)

Genes: UGT1A10 (UDP glucuronosyltransferase family 1 member A10; plus strand), UGT1A1 (UDP glucuronosyltransferase family 1 member A1; plus strand), UGT1A6 (UDP glucuronosyltransferase family 1 member A6; plus strand), UGT1A (UDP glucuronosyltransferase family 1 member A complex locus; plus strand), UGT1A4 (UDP glucuronosyltransferase family 1 member A4; plus strand) and 5 more. Cytogenetic location: 2q37.1.
Variant type: single nucleotide variant.
Coding change: c.1207C>T on transcript NM_000463.3 (MANE Select); coding-DNA position 1207, C replaced by T.
Protein change: p.Arg403Cys; replaces arginine 403 with cysteine.
Molecular consequence: missense variant.
Genome position (GRCh38, 1-based): chr2:233,768,342, C>T. VCF-style: chr2-233768342-C-T. GRCh37 (hg19) VCF-style: chr2-234676988-C-T.
Other names: c.1198C>T, p.Arg400Cys (NM_019075.4, NM_019076.5, NM_019077.3 and 1 more transcripts); c.1204C>T, p.Arg402Cys (NM_001072.4); c.403C>T, p.Arg135Cys (NM_205862.3); c.1210C>T, p.Arg404Cys (NM_019078.2, NM_007120.3, NM_019093.4); short protein forms R403C, R404C, R400C, R402C, R135C.
Identifiers: ClinVar variation 498359 (VCV000498359.7), dbSNP rs778766461, ClinGen allele CA2180030.